The following is an entry in ClinVar:

ClinVar aggregate classification (germline): Uncertain significance (1 of 4 stars; one submission).

Conditions:
Retinoblastoma (RB1). Also called: RETINOBLASTOMA, SOMATIC. Identifiers: Orphanet 790, MedGen C0035335, MeSH D012175, MONDO:0008380, OMIM 180200, HP:0009919. Disease mechanism: loss of function. Inheritance: Both sporadic and heritable forms are tested..

gnomAD v4.1: 1 of 1,605,734 alleles (0.000062%); highest among the groups gnomAD compares: African/African-American, 0.0013%; no homozygotes.

Submission:

Labcorp Genetics (formerly Invitae), Labcorp
Classification: Uncertain significance for Retinoblastoma. Last evaluated: 2024-09-04. Review status: criteria provided, single submitter. Criteria: Invitae Variant Classification Sherloc (09022015). Collection method: clinical testing. Allele origin: germline.
Comment: This sequence change replaces valine, which is neutral and non-polar, with phenylalanine, which is neutral and non-polar, at codon 493 of the RB1 protein (p.Val493Phe). This variant is not present in population databases (gnomAD no frequency). This variant has not been reported in the literature in individuals affected with RB1-related conditions. Invitae Evidence Modeling of protein sequence and biophysical properties (such as structural, functional, and spatial information, amino acid conservation, physicochemical variation, residue mobility, and thermodynamic stability) indicates that this missense variant is expected to disrupt RB1 protein function with a positive predictive value of 80%. In summary, the available evidence is currently insufficient to determine the role of this variant in disease. Therefore, it has been classified as a Variant of Uncertain Significance.

NM_000321.3(RB1):c.1477G>T (p.Val493Phe)

Gene: RB1 (RB transcriptional corepressor 1; plus strand). Cytogenetic location: 13q14.2.
Variant type: single nucleotide variant.
Coding change: c.1477G>T on transcript NM_000321.3 (MANE Select); coding-DNA position 1477, G replaced by T.
Protein change: p.Val493Phe; replaces valine 493 with phenylalanine.
Molecular consequence: missense variant.
Genome position (GRCh38, 1-based): chr13:48,380,220, G>T. VCF-style: chr13-48380220-G-T. GRCh37 (hg19) VCF-style: chr13-48954356-G-T.
Other names: c.1477G>T, p.Val493Phe (NM_001407165.1, NM_001407166.1); short protein forms V493F.
Identifiers: ClinVar variation 3684933 (VCV003684933.2).
Genomic context (GRCh38, chr13:48,380,220, plus strand): 5'-TTTAGCAAACTTCTGAATGACAACATTTTTCATATGTCTTTATTGGCGTGCGCTCTTGAG[G>T]TTGTAATGGCCACATATAGCAGTAAGTTAAATTTTCATAAATAAACACTTTTGTTCAATT-3'
Protein context (NP_000312.2, residues 483-503): HMSLLACALE[Val493Phe]VMATYSRSTS